The following is an entry in ClinVar:

ClinVar aggregate classification (germline): Likely benign (0 of 4 stars; one submission).

Conditions:
AMPD3-related disorder. Also called: AMPD3-related condition.

Allele frequency attached by ClinVar (database versions not stated): gnomAD 0.00001; TOPMed 0.00001; gnomAD exomes 0.00006.
gnomAD v4.1: 86 of 1,614,024 alleles (0.0053%); highest among the groups gnomAD compares: Non-Finnish European, 0.0072%; no homozygotes.

Submission:

PreventionGenetics, part of Exact Sciences
Classification: Likely benign for AMPD3-related condition. Last evaluated: 2019-07-24. Review status: no assertion criteria provided. Collection method: clinical testing. Allele origin: germline.
Comment: This variant is classified as likely benign based on ACMG/AMP sequence variant interpretation guidelines (Richards et al. 2015 PMID: 25741868, with internal and published modifications).

NM_001025389.2(AMPD3):c.816C>T (p.Thr272=)

Gene: AMPD3 (adenosine monophosphate deaminase 3; plus strand). Cytogenetic location: 11p15.4.
Variant type: single nucleotide variant.
Coding change: c.816C>T on transcript NM_001025389.2 (MANE Select); coding-DNA position 816, C replaced by T.
Protein change: p.Thr272=; no amino-acid change (threonine 272 retained).
Molecular consequence: synonymous variant.
Genome position (GRCh38, 1-based): chr11:10,487,241, C>T. VCF-style: chr11-10487241-C-T. GRCh37 (hg19) VCF-style: chr11-10508788-C-T.
Other names: c.843C>T, p.Thr281= (NM_000480.3); c.837C>T, p.Thr279= (NM_001025390.2); c.816C>T, p.Thr272= (NM_001172430.1); c.339C>T, p.Thr113= (NM_001172431.2).
Identifiers: ClinVar variation 3050742 (VCV003050742.2), dbSNP rs1313616295, ClinGen allele CA473083413.